The following is an entry in ClinVar:

NM_031407.7(HUWE1):c.301G>A (p.Ala101Thr)

Gene: HUWE1 (HECT, UBA and WWE domain containing E3 ubiquitin protein ligase 1; minus strand). Cytogenetic location: Xp11.22.
Variant type: single nucleotide variant.
Coding change: c.301G>A on transcript NM_031407.7 (MANE Select); coding-DNA position 301, G replaced by A.
Protein change: p.Ala101Thr; replaces alanine 101 with threonine.
Molecular consequence: missense variant.
Genome position (GRCh38, 1-based): chrX:53,647,418, C>T on the plus strand (G>A on the coding strand, the complement: HUWE1 is on the minus strand). VCF-style: chrX-53647418-C-T. GRCh37 (hg19) VCF-style: chrX-53674361-C-T.
Other names: short protein forms A101T.
Identifiers: ClinVar variation 2707926 (VCV002707926.3), dbSNP rs2528915387, ClinGen allele CA413165222.

ClinVar aggregate classification (germline): Uncertain significance (1 of 4 stars; one submission).

Submission:

Labcorp Genetics (formerly Invitae), Labcorp
Classification: Uncertain significance. Last evaluated: 2024-01-20. Review status: criteria provided, single submitter. Criteria: Invitae Variant Classification Sherloc (09022015). Collection method: clinical testing. Allele origin: germline.
Comment: This sequence change replaces alanine, which is neutral and non-polar, with threonine, which is neutral and polar, at codon 101 of the HUWE1 protein (p.Ala101Thr). This variant is not present in population databases (gnomAD no frequency). This variant has not been reported in the literature in individuals affected with HUWE1-related conditions. Advanced modeling of protein sequence and biophysical properties (such as structural, functional, and spatial information, amino acid conservation, physicochemical variation, residue mobility, and thermodynamic stability) has been performed at Invitae for this missense variant, however the output from this modeling did not meet the statistical confidence thresholds required to predict the impact of this variant on HUWE1 protein function. In summary, the available evidence is currently insufficient to determine the role of this variant in disease. Therefore, it has been classified as a Variant of Uncertain Significance.